The following is an entry in ClinVar:

ClinVar aggregate classification (germline): Uncertain significance (1 of 4 stars; one submission).

Conditions:
Borjeson-Forssman-Lehmann syndrome (BFLS). Also called: MENTAL RETARDATION, X-LINKED, SYNDROMIC, BORJESON-FORSSMAN-LEHMANN TYPE; MENTAL RETARDATION, EPILEPSY, AND ENDOCRINE DISORDERS; BORJESON SYNDROME. Identifiers: Orphanet 127, MedGen C0265339, MONDO:0010537, OMIM 301900.

gnomAD v4.1: 1 of 1,210,760 alleles (0.000083%); highest among the groups gnomAD compares: Non-Finnish European, 0.00011%; no homozygotes.

Submission:

Labcorp Genetics (formerly Invitae), Labcorp
Classification: Uncertain significance for Borjeson-Forssman-Lehmann syndrome. Last evaluated: 2024-02-07. Review status: criteria provided, single submitter. Criteria: Invitae Variant Classification Sherloc (09022015). Collection method: clinical testing. Allele origin: germline.
Comment: This sequence change replaces glutamine, which is neutral and polar, with arginine, which is basic and polar, at codon 7 of the PHF6 protein (p.Gln7Arg). This variant is not present in population databases (gnomAD no frequency). This variant has not been reported in the literature in individuals affected with PHF6-related conditions. An algorithm developed to predict the effect of missense changes on protein structure and function (PolyPhen-2) suggests that this variant is likely to be tolerated. In summary, the available evidence is currently insufficient to determine the role of this variant in disease. Therefore, it has been classified as a Variant of Uncertain Significance.

NM_001015877.2(PHF6):c.20A>G (p.Gln7Arg)

Gene: PHF6 (PHD finger protein 6; plus strand). Cytogenetic location: Xq26.2.
Variant type: single nucleotide variant.
Coding change: c.20A>G on transcript NM_001015877.2 (MANE Select); coding-DNA position 20, A replaced by G.
Protein change: p.Gln7Arg; replaces glutamine 7 with arginine.
Molecular consequence: missense variant.
Genome position (GRCh38, 1-based): chrX:134,377,637, A>G. VCF-style: chrX-134377637-A-G. GRCh37 (hg19) VCF-style: chrX-133511667-A-G.
Other names: c.20A>G, p.Gln7Arg (NM_032335.3, NM_032458.3); short protein forms Q7R.
Identifiers: ClinVar variation 3639558 (VCV003639558.2).